The following is an entry in ClinVar:

NM_001379081.2(FREM1):c.2299A>C (p.Asn767His)

Gene: FREM1 (FRAS1 related extracellular matrix 1; minus strand). Cytogenetic location: 9p22.3.
Variant type: single nucleotide variant.
Coding change: c.2299A>C on transcript NM_001379081.2 (MANE Select); coding-DNA position 2299, A replaced by C.
Protein change: p.Asn767His; replaces asparagine 767 with histidine.
Molecular consequence: missense variant. On other transcripts: non-coding transcript variant (2).
Genome position (GRCh38, 1-based): chr9:14,823,198, T>G on the plus strand (A>C on the coding strand, the complement: FREM1 is on the minus strand). VCF-style: chr9-14823198-T-G. GRCh37 (hg19) VCF-style: chr9-14823196-T-G.
Other names: c.2299A>C, p.Asn767His (NM_144966.7); short protein forms N767H.
Identifiers: ClinVar variation 914282 (VCV000914282.8), dbSNP rs1821701872, ClinGen allele CA372955886.

ClinVar aggregate classification (germline): Uncertain significance. Review status: criteria provided, multiple submitters, no conflicts (2 of 4 stars). 2 submissions from 2 submitters: Uncertain significance (2). Last evaluated 2025-08-21.

Conditions:
Oculotrichoanal syndrome (MOTA). Also called: MARLES SYNDROME; Manitoba Oculotrichoanal (MOTA) Syndrome. Identifiers: Orphanet 2717, MedGen C1855425, MONDO:0009560, OMIM 248450.

Submissions (2):

Labcorp Genetics (formerly Invitae), Labcorp
Classification: Uncertain significance. Last evaluated: 2025-08-21. Review status: criteria provided, single submitter. Criteria: Invitae Variant Classification Sherloc (09022015). Collection method: clinical testing. Allele origin: germline.
Comment: This sequence change replaces asparagine, which is neutral and polar, with histidine, which is basic and polar, at codon 767 of the FREM1 protein (p.Asn767His). This variant is not present in population databases (gnomAD no frequency). This variant has not been reported in the literature in individuals affected with FREM1-related conditions. ClinVar contains an entry for this variant (Variation ID: 914282). Invitae Evidence Modeling of protein sequence and biophysical properties (such as structural, functional, and spatial information, amino acid conservation, physicochemical variation, residue mobility, and thermodynamic stability) indicates that this missense variant is expected to disrupt FREM1 protein function with a positive predictive value of 80%. In summary, the available evidence is currently insufficient to determine the role of this variant in disease. Therefore, it has been classified as a Variant of Uncertain Significance.

Illumina Laboratory Services, Illumina
Classification: Uncertain significance for Oculotrichoanal syndrome. Last evaluated: 2018-01-13. Review status: criteria provided, single submitter. Criteria: ICSL Variant Classification Criteria 13 December 2019. Collection method: clinical testing. Allele origin: germline.